The following is an entry in ClinVar:

ClinVar aggregate classification (germline): Pathogenic (1 of 4 stars; one submission).

Conditions:
Duane-radial ray syndrome (DRRS). Also called: DR SYNDROME; DUANE ANOMALY WITH RADIAL RAY ABNORMALITIES AND DEAFNESS; Duane-Radial Ray Syndrome/Okihiro Syndrome; ACRORENOOCULAR SYNDROME; Okihiro Syndrome; Duane-Radial Ray Syndrome (DRRS) / Okihiro Syndrome. Identifiers: Orphanet 93293, Orphanet 959, MedGen C1623209, MONDO:0011812, OMIM 607323. Disease mechanism: gain of function.

Submission:

Labcorp Genetics (formerly Invitae), Labcorp
Classification: Pathogenic for Duane-radial ray syndrome. Last evaluated: 2024-03-19. Review status: criteria provided, single submitter. Criteria: Invitae Variant Classification Sherloc (09022015). Collection method: clinical testing. Allele origin: germline.
Comment: This sequence change creates a premature translational stop signal (p.Ala701Leufs*22) in the SALL4 gene. It is expected to result in an absent or disrupted protein product. Loss-of-function variants in SALL4 are known to be pathogenic (PMID: 15342710, 16086360). This variant is not present in population databases (gnomAD no frequency). This variant has not been reported in the literature in individuals affected with SALL4-related conditions. For these reasons, this variant has been classified as Pathogenic.

Literature cited by the submitters: PubMed 15342710; PubMed 16086360.

NM_020436.5(SALL4):c.2101del (p.Ala701fs)

Gene: SALL4 (spalt like transcription factor 4; minus strand). Cytogenetic location: 20q13.2.
Variant type: Deletion.
Coding change: c.2101del on transcript NM_020436.5 (MANE Select); coding-DNA position 2101, one base deleted (G; older notation c.2101delG).
Protein change: p.Ala701fs; shifts the reading frame from alanine 701.
Molecular consequence: frameshift variant. On other transcripts: intron variant (1).
Genome position (GRCh38, 1-based): chr20:51,790,382, C deleted on the plus strand (G on the coding strand, the reverse complement: SALL4 is on the minus strand); the first of 2 consecutive C bases (chr20:51,790,382-51,790,383); deleting either gives the same sequence. VCF-style (leftmost placement, unchanged base first): chr20-51790381-GC-G. GRCh37 (hg19) VCF-style: chr20-50406920-GC-G.
Other names: c.1150+951del (NM_001318031.2); short protein forms A701fs.
Identifiers: ClinVar variation 3646785 (VCV003646785.2).